The following is an entry in ClinVar:

ClinVar aggregate classification (germline): Uncertain significance (1 of 4 stars; one submission).

Conditions:
Inborn genetic diseases. Identifiers: MedGen C0950123, MeSH D030342.

Submission:

Ambry Genetics
Classification: Uncertain significance for Inborn genetic diseases. Last evaluated: 2025-09-20. Review status: criteria provided, single submitter. Criteria: Ambry Variant Classification Scheme 2023. Collection method: clinical testing. Allele origin: germline.
Comment: The p.P709S variant (also known as c.2125C>T), located in coding exon 23 of the FANCA gene, results from a C to T substitution at nucleotide position 2125. The proline at codon 709 is replaced by serine, an amino acid with similar properties. This amino acid position is conserved. In addition, this alteration is predicted to be tolerated by in silico analysis. Based on the available evidence, the clinical significance of this variant remains unclear.

NM_000135.4(FANCA):c.2125C>T (p.Pro709Ser)

Gene: FANCA (FA complementation group A; minus strand). Cytogenetic location: 16q24.3.
Variant type: single nucleotide variant.
Coding change: c.2125C>T on transcript NM_000135.4 (MANE Select); coding-DNA position 2125, C replaced by T.
Protein change: p.Pro709Ser; replaces proline 709 with serine.
Molecular consequence: missense variant.
Genome position (GRCh38, 1-based): chr16:89,771,704, G>A on the plus strand (C>T on the coding strand, the complement: FANCA is on the minus strand). VCF-style: chr16-89771704-G-A. GRCh37 (hg19) VCF-style: chr16-89838112-G-A.
Other names: c.2125C>T, p.Pro709Ser (NM_001286167.3); short protein forms P709S.
Identifiers: ClinVar variation 4619160 (VCV004619160.1).
Genomic context (GRCh38, chr16:89,771,704, plus strand): 5'-GACCCCCTGCTTTGTTCTGAGCCCCTACACCTACCATGTGTTCCCGTGGCTCCAGTCTCG[G>A]CGTGTTGATGCTGAGCTGAATCTTTGATATCTCAACGCTGCTGTCATCCTCATTGTGGCC-3'
Protein context (NP_000126.2, residues 699-719): ISKIQLSINT[Pro709Ser]RLEPREHMAV